The following is an entry in ClinVar:

NM_020163.3(SEMA3G):c.170A>C (p.Asn57Thr)

Gene: SEMA3G (semaphorin 3G; minus strand). Cytogenetic location: 3p21.1.
Variant type: single nucleotide variant.
Coding change: c.170A>C on transcript NM_020163.3 (MANE Select); coding-DNA position 170, A replaced by C.
Protein change: p.Asn57Thr; replaces asparagine 57 with threonine.
Molecular consequence: missense variant.
Genome position (GRCh38, 1-based): chr3:52,442,853, T>G on the plus strand (A>C on the coding strand, the complement: SEMA3G is on the minus strand). VCF-style: chr3-52442853-T-G. GRCh37 (hg19) VCF-style: chr3-52476869-T-G.
Other names: short protein forms N57T.
Identifiers: ClinVar variation 3346963 (VCV003346963.1).

ClinVar aggregate classification (germline): Uncertain significance (0 of 4 stars; one submission).

Conditions:
SEMA3G-related disorder. Also called: SEMA3G-related condition.

Submission:

PreventionGenetics, part of Exact Sciences
Classification: Uncertain significance for SEMA3G-related condition. Last evaluated: 2024-05-14. Review status: no assertion criteria provided. Collection method: clinical testing. Allele origin: germline.
Comment: The SEMA3G c.170A>C variant is predicted to result in the amino acid substitution p.Asn57Thr. To our knowledge, this variant has not been reported in the literature or in a large population database, indicating this variant is rare. At this time, the clinical significance of this variant is uncertain due to the absence of conclusive functional and genetic evidence.